The following is an entry in ClinVar:

ClinVar aggregate classification (germline): Uncertain significance (1 of 4 stars; one submission).

gnomAD v4.1: 6 of 1,614,212 alleles (0.00037%); highest among the groups gnomAD compares: Admixed American, 0.0067%; no homozygotes.

Submission:

Labcorp Genetics (formerly Invitae), Labcorp
Classification: Uncertain significance. Last evaluated: 2025-02-15. Review status: criteria provided, single submitter. Criteria: Invitae Variant Classification Sherloc (09022015). Collection method: clinical testing. Allele origin: germline.
Comment: This sequence change replaces leucine, which is neutral and non-polar, with methionine, which is neutral and non-polar, at codon 118 of the SCNN1B protein (p.Leu118Met). This variant is not present in population databases (gnomAD no frequency). This variant has not been reported in the literature in individuals affected with SCNN1B-related conditions. Invitae Evidence Modeling of protein sequence and biophysical properties (such as structural, functional, and spatial information, amino acid conservation, physicochemical variation, residue mobility, and thermodynamic stability) indicates that this missense variant is not expected to disrupt SCNN1B protein function with a negative predictive value of 80%. In summary, the available evidence is currently insufficient to determine the role of this variant in disease. Therefore, it has been classified as a Variant of Uncertain Significance.

NM_000336.3(SCNN1B):c.352C>A (p.Leu118Met)

Gene: SCNN1B (sodium channel epithelial 1 subunit beta; plus strand). Cytogenetic location: 16p12.2.
Variant type: single nucleotide variant.
Coding change: c.352C>A on transcript NM_000336.3 (MANE Select); coding-DNA position 352, C replaced by A.
Protein change: p.Leu118Met; replaces leucine 118 with methionine.
Molecular consequence: missense variant.
Genome position (GRCh38, 1-based): chr16:23,352,841, C>A. VCF-style: chr16-23352841-C-A. GRCh37 (hg19) VCF-style: chr16-23364162-C-A.
Other names: c.352C>A, p.Leu118Met (NM_001410900.1); short protein forms L118M.
Identifiers: ClinVar variation 3604236 (VCV003604236.2).